The following is an entry in ClinVar:

ClinVar aggregate classification (germline): Uncertain significance (1 of 4 stars; one submission).

Allele frequency attached by ClinVar (database versions not stated): TOPMed below 0.00001.
gnomAD v4.1: 2 of 1,612,814 alleles (0.00012%); highest among the groups gnomAD compares: African/African-American, 0.0013%; no homozygotes.

Submission:

Labcorp Genetics (formerly Invitae), Labcorp
Classification: Uncertain significance. Last evaluated: 2024-02-17. Review status: criteria provided, single submitter. Criteria: Invitae Variant Classification Sherloc (09022015). Collection method: clinical testing. Allele origin: germline.
Comment: This sequence change falls in intron 46 of the SZT2 gene. It does not directly change the encoded amino acid sequence of the SZT2 protein. It affects a nucleotide within the consensus splice site. This variant is not present in population databases (gnomAD no frequency). This variant has not been reported in the literature in individuals affected with SZT2-related conditions. ClinVar contains an entry for this variant (Variation ID: 1937575). Variants that disrupt the consensus splice site are a relatively common cause of aberrant splicing (PMID: 17576681, 9536098). Algorithms developed to predict the effect of sequence changes on RNA splicing suggest that this variant may disrupt the consensus splice site. In summary, the available evidence is currently insufficient to determine the role of this variant in disease. Therefore, it has been classified as a Variant of Uncertain Significance.

Literature cited by the submitters: PubMed 17576681; PubMed 9536098.

NM_001365999.1(SZT2):c.6627+4A>G

Gene: SZT2 (SZT2 subunit of KICSTOR complex; plus strand). Cytogenetic location: 1p34.2.
Variant type: single nucleotide variant.
Coding change: c.6627+4A>G on transcript NM_001365999.1 (MANE Select); 4 bases into the intron after coding-DNA position 6627, A replaced by G.
Molecular consequence: intron variant.
Genome position (GRCh38, 1-based): chr1:43,438,821, A>G. VCF-style: chr1-43438821-A-G. GRCh37 (hg19) VCF-style: chr1-43904492-A-G.
Other names: c.6456+4A>G (NM_015284.4).
Identifiers: ClinVar variation 1937575 (VCV001937575.5), dbSNP rs768673635, ClinGen allele CA735974725.